The following is an entry in ClinVar:

NM_001085487.3(MYSM1):c.190G>C (p.Val64Leu)

Gene: MYSM1 (Myb like, SWIRM and MPN domains 1; minus strand). Cytogenetic location: 1p32.1.
Variant type: single nucleotide variant.
Coding change: c.190G>C on transcript NM_001085487.3 (MANE Select); coding-DNA position 190, G replaced by C.
Protein change: p.Val64Leu; replaces valine 64 with leucine.
Molecular consequence: missense variant.
Genome position (GRCh38, 1-based): chr1:58,692,889, C>G on the plus strand (G>C on the coding strand, the complement: MYSM1 is on the minus strand). VCF-style: chr1-58692889-C-G. GRCh37 (hg19) VCF-style: chr1-59158561-C-G.
Other names: short protein forms V64L.
Identifiers: ClinVar variation 2095139 (VCV002095139.4), dbSNP rs2524357412, ClinGen allele CA340533397.

ClinVar aggregate classification (germline): Uncertain significance (1 of 4 stars; one submission).

Submission:

Labcorp Genetics (formerly Invitae), Labcorp
Classification: Uncertain significance. Last evaluated: 2023-10-13. Review status: criteria provided, single submitter. Criteria: Invitae Variant Classification Sherloc (09022015). Collection method: clinical testing. Allele origin: germline.
Comment: This sequence change replaces valine, which is neutral and non-polar, with leucine, which is neutral and non-polar, at codon 64 of the MYSM1 protein (p.Val64Leu). This variant is not present in population databases (gnomAD no frequency). This variant has not been reported in the literature in individuals affected with MYSM1-related conditions. ClinVar contains an entry for this variant (Variation ID: 2095139). Advanced modeling of protein sequence and biophysical properties (such as structural, functional, and spatial information, amino acid conservation, physicochemical variation, residue mobility, and thermodynamic stability) performed at Invitae indicates that this missense variant is not expected to disrupt MYSM1 protein function. In summary, the available evidence is currently insufficient to determine the role of this variant in disease. Therefore, it has been classified as a Variant of Uncertain Significance.